The following is an entry in ClinVar:

ClinVar aggregate classification (germline): Pathogenic/Likely pathogenic. Review status: criteria provided, multiple submitters, no conflicts (2 of 4 stars). 2 submissions from 2 submitters: Pathogenic (1); Likely pathogenic (1). Last evaluated 2024-11-24.

Submissions (2):

Labcorp Genetics (formerly Invitae), Labcorp
Classification: Pathogenic. Last evaluated: 2024-11-24. Review status: criteria provided, single submitter. Criteria: Invitae Variant Classification Sherloc (09022015). Collection method: clinical testing. Allele origin: germline.
Comment: This sequence change creates a premature translational stop signal (p.Gln496*) in the FH gene. While this is not anticipated to result in nonsense mediated decay, it is expected to disrupt the last 15 amino acid(s) of the FH protein. This variant is not present in population databases (gnomAD no frequency). This variant has not been reported in the literature in individuals affected with FH-related conditions. ClinVar contains an entry for this variant (Variation ID: 449792). This variant disrupts a region of the FH protein in which other variant(s) (p.Leu507Pro) have been determined to be pathogenic (PMID: 12761039; internal data). This suggests that this is a clinically significant region of the protein, and that variants that disrupt it are likely to be disease-causing. For these reasons, this variant has been classified as Pathogenic.

GeneDx
Classification: Likely pathogenic. Last evaluated: 2023-06-23. Review status: criteria provided, single submitter. Criteria: GeneDx Variant Classification Process June 2021. Collection method: clinical testing. Allele origin: germline. Affected: yes.
Comment: Nonsense variant predicted to result in protein truncation, as the last 15 amino acids are lost, and other loss-of-function variants have been reported downstream in individuals with both hereditary leiomyomatosis and renal cell carcinoma (HLRCC) and fumarase deficiency syndrome, and cultured fibroblasts from carriers in at least one family have demonstrated reduced FH enzyme activity (Coughlin et al., 1998; Gardie et al., 2011); Not observed at significant frequency in large population cohorts (gnomAD); Has not been previously published as pathogenic or benign to our knowledge; Also known as p.Q453X; This variant is associated with the following publications: (PMID: 9635293, 21398687)

Literature cited by the submitters: PubMed 12761039 (cited by Labcorp Genetics (formerly Invitae), Labcorp).

NM_000143.4(FH):c.1486C>T (p.Gln496Ter)

Gene: FH (fumarate hydratase; minus strand). Cytogenetic location: 1q43.
Variant type: single nucleotide variant.
Coding change: c.1486C>T on transcript NM_000143.4 (MANE Select); coding-DNA position 1486, C replaced by T.
Protein change: p.Gln496Ter; replaces glutamine 496 with a stop codon.
Molecular consequence: nonsense.
Genome position (GRCh38, 1-based): chr1:241,497,875, G>A on the plus strand (C>T on the coding strand, the complement: FH is on the minus strand). VCF-style: chr1-241497875-G-A. GRCh37 (hg19) VCF-style: chr1-241661175-G-A.
Other names: short protein forms Q496*.
Identifiers: ClinVar variation 449792 (VCV000449792.5), dbSNP rs1553340506, ClinGen allele CA345450387.